The following is an entry in ClinVar:

NM_020126.5(SPHK2):c.249T>G (p.Pro83=)

Gene: SPHK2 (sphingosine kinase 2; plus strand). Cytogenetic location: 19q13.33.
Variant type: single nucleotide variant.
Coding change: c.249T>G on transcript NM_020126.5 (MANE Select); coding-DNA position 249, T replaced by G.
Protein change: p.Pro83=; no amino-acid change (proline 83 retained).
Molecular consequence: synonymous variant. On other transcripts: intron variant (1).
Genome position (GRCh38, 1-based): chr19:48,626,100, T>G. VCF-style: chr19-48626100-T-G. GRCh37 (hg19) VCF-style: chr19-49129357-T-G.
Other names: c.72T>G, p.Pro24= (NM_001204158.3); c.249T>G, p.Pro83= (NM_001204159.3); c.141T>G, p.Pro47= (NM_001204160.3); c.-107-1592T>G (NM_001243876.2).
Identifiers: ClinVar variation 2650213 (VCV002650213.24), dbSNP rs151257086, ClinGen allele CA9554479.

ClinVar aggregate classification (germline): Likely benign (1 of 4 stars; one submission).

Allele frequency attached by ClinVar (database versions not stated): 1000 Genomes Project 30x 0.00062; 1000 Genomes Project 0.00080; TOPMed 0.00242; ESP Exome Variant Server 0.00308; gnomAD exomes 0.00426; gnomAD 0.00442; ExAC 0.00458.
gnomAD v4.1: 6,805 of 1,611,390 alleles (0.42%); highest among the groups gnomAD compares: Non-Finnish European, 0.44%; 34 homozygotes.

Submission:

CeGaT Center for Human Genetics Tuebingen
Classification: Likely benign. Last evaluated: 2025-06-01. Review status: criteria provided, single submitter. Criteria: CeGaT Center For Human Genetics Tuebingen Variant Classification Criteria Version 2. Collection method: clinical testing. Allele origin: germline. Affected: yes. Observed: 2 variant alleles.
Comment: SPHK2: BP4, BP7, BS2